The following is an entry in ClinVar:

NM_014845.6(FIG4):c.2558C>T (p.Ser853Leu)

Gene: FIG4 (FIG4 phosphoinositide 5-phosphatase; plus strand). Cytogenetic location: 6q21.
Variant type: single nucleotide variant.
Coding change: c.2558C>T on transcript NM_014845.6 (MANE Select); coding-DNA position 2558, C replaced by T.
Protein change: p.Ser853Leu; replaces serine 853 with leucine.
Molecular consequence: missense variant.
Genome position (GRCh38, 1-based): chr6:109,825,099, C>T. VCF-style: chr6-109825099-C-T. GRCh37 (hg19) VCF-style: chr6-110146302-C-T.
Other names: short protein forms S853L.
Identifiers: ClinVar variation 254672 (VCV000254672.9), dbSNP rs774805375, ClinGen allele CA3956453.
Genomic context (GRCh38, chr6:109,825,099, plus strand): 5'-TTCCTTATATTTTCTTTAATGCAGCCCTCTCTTTATTCATCTTTTATAGAACACCCATCT[C>T]GGCTTTCTCGCAAGATAACATCTATGAAGTTCAGCCCCCAAGAGTAGACAGAAAATCTAC-3'
Protein context (NP_055660.1, residues 843-863): SDGVIKLTPI[Ser853Leu]AFSQDNIYEV

ClinVar aggregate classification (germline): Uncertain significance. Review status: criteria provided, multiple submitters, no conflicts (2 of 4 stars). 4 submissions from 4 submitters: Uncertain significance (4). Last evaluated 2026-08-01.

Conditions:
Charcot-Marie-Tooth disease type 4. Also called: Charcot-Marie-Tooth disease, type IV; Charcot-Marie-Tooth, Type 4. Identifiers: Orphanet 64749, MedGen C4082197, MONDO:0018995.
Amyotrophic lateral sclerosis type 11 (ALS11). Identifiers: Orphanet 803, MedGen C2675491, MONDO:0012945, OMIM 612577.

Allele frequency attached by ClinVar (database versions not stated): gnomAD 0.00001; gnomAD exomes 0.00001 and 0.00002; TOPMed 0.00001; ExAC 0.00002.
gnomAD v4.1: 29 of 1,613,604 alleles (0.0018%); highest among the groups gnomAD compares: Non-Finnish European, 0.0023%; no homozygotes.

Submissions (4):

CeGaT Center for Human Genetics Tuebingen
Classification: Uncertain significance. Last evaluated: 2026-08-01. Review status: criteria provided, single submitter. Criteria: CeGaT Center For Human Genetics Tuebingen Variant Classification Criteria Version 2. Collection method: clinical testing. Allele origin: germline. Affected: yes. Observed: 1 variant allele.
Comment: FIG4: PM2

Labcorp Genetics (formerly Invitae), Labcorp
Classification: Uncertain significance for Charcot-Marie-Tooth disease type 4. Last evaluated: 2021-09-01. Review status: criteria provided, single submitter. Criteria: Invitae Variant Classification Sherloc (09022015). Collection method: clinical testing. Allele origin: germline.
Comment: This sequence change replaces serine with leucine at codon 853 of the FIG4 protein (p.Ser853Leu). The serine residue is highly conserved and there is a large physicochemical difference between serine and leucine. This variant is present in population databases (rs774805375, ExAC 0.003%). This missense change has been observed in individual(s) with amyotrophic lateral sclerosis or Charcot-Marie-Tooth disease (PMID: 21705420, 28051077). ClinVar contains an entry for this variant (Variation ID: 254672). Algorithms developed to predict the effect of missense changes on protein structure and function are either unavailable or do not agree on the potential impact of this missense change (SIFT: "Deleterious"; PolyPhen-2: "Possibly Damaging"; Align-GVGD: "Class C15"). In summary, the available evidence is currently insufficient to determine the role of this variant in disease. Therefore, it has been classified as a Variant of Uncertain Significance.

GeneDx
Classification: Uncertain significance. Last evaluated: 2020-12-03. Review status: criteria provided, single submitter. Criteria: GeneDx Variant Classification Process June 2021. Collection method: clinical testing. Allele origin: germline. Affected: yes.
Comment: Observed as heterozygous variant in individual with sporadic Charcot-type ALS and not seen in controls (Osmanovic et al., 2017); In silico analysis supports that this missense variant has a deleterious effect on protein structure/function; Not observed at a significant frequency in large population cohorts (Lek et al., 2016); This variant is associated with the following publications: (PMID: 28051077)

Weber Lab, Hannover Medical School
Classification: Uncertain significance for Amyotrophic lateral sclerosis type 11. Last evaluated: 2016-09-13. Review status: criteria provided, single submitter. Criteria: "ACMG Guidelines, 2015". Collection method: research. Allele origin: germline. Affected: yes.

Literature cited by the submitters: PubMed 21705420 (cited by Labcorp Genetics (formerly Invitae), Labcorp); PubMed 28051077 (cited by Labcorp Genetics (formerly Invitae), Labcorp and Weber Lab, Hannover Medical School).